The following is an entry in ClinVar:

ClinVar aggregate classification (germline): Uncertain significance. Review status: criteria provided, multiple submitters, no conflicts (2 of 4 stars). 2 submissions from 2 submitters: Uncertain significance (2). Last evaluated 2025-03-18.

Conditions:
Inborn genetic diseases. Identifiers: MedGen C0950123, MeSH D030342.
Charcot-Marie-Tooth disease axonal type 2P. Also called: CHARCOT-MARIE-TOOTH DISEASE, AXONAL, TYPE 2G; CMT 2G; CHARCOT-MARIE-TOOTH NEUROPATHY, TYPE 2P; Charcot-Marie-Tooth Neuropathy Type 2G. Identifiers: Orphanet 300319, Orphanet 99941, MedGen C3280797, MONDO:0013753, OMIM 614436.

Allele frequency attached by ClinVar (database versions not stated): TOPMed below 0.00001; ExAC 0.00001.
gnomAD v4.1: 3 of 1,613,546 alleles (0.00019%); highest among the groups gnomAD compares: Non-Finnish European, 0.00025%; no homozygotes.

Submissions (3):

Ambry Genetics
Classification: Uncertain significance for Inborn genetic diseases. Last evaluated: 2025-03-18. Review status: criteria provided, single submitter. Criteria: Ambry Variant Classification Scheme 2023. Collection method: clinical testing. Allele origin: germline.

Labcorp Genetics (formerly Invitae), Labcorp
Classification: Uncertain significance for Charcot-Marie-Tooth disease axonal type 2P. Last evaluated: 2023-07-29. Review status: criteria provided, single submitter. Criteria: Invitae Variant Classification Sherloc (09022015). Collection method: clinical testing. Allele origin: germline.
Comment: An algorithm developed to predict the effect of missense changes on protein structure and function (PolyPhen-2) suggests that this variant is likely to be disruptive. ClinVar contains an entry for this variant (Variation ID: 1792810). This variant has not been reported in the literature in individuals affected with LRSAM1-related conditions. This variant is present in population databases (rs765537196, gnomAD 0.0009%). This sequence change replaces valine, which is neutral and non-polar, with phenylalanine, which is neutral and non-polar, at codon 85 of the LRSAM1 protein (p.Val85Phe). In summary, the available evidence is currently insufficient to determine the role of this variant in disease. Therefore, it has been classified as a Variant of Uncertain Significance.

Dr. Peter K. Rogan Lab, Western University
No classification provided (evidence only). Condition: Adrenocortical carcinoma, hereditary. Review status: no classification provided. Collection method: in vitro. Allele origin: not applicable. Functional consequence: retained intron. Not counted in ClinVar's aggregate classification.

NM_001005373.4(LRSAM1):c.253G>T (p.Val85Phe)

Gene: LRSAM1 (leucine rich repeat and sterile alpha motif containing 1; plus strand). Cytogenetic location: 9q33.3.
Variant type: single nucleotide variant.
Coding change: c.253G>T on transcript NM_001005373.4 (MANE Select); coding-DNA position 253, G replaced by T.
Protein change: p.Val85Phe; replaces valine 85 with phenylalanine.
Molecular consequence: missense variant. On other transcripts: 5 prime UTR variant (1), non-coding transcript variant (2).
Genome position (GRCh38, 1-based): chr9:127,459,003, G>T. VCF-style: chr9-127459003-G-T. GRCh37 (hg19) VCF-style: chr9-130221282-G-T.
Other names: c.253G>T, p.Val85Phe (NM_001005374.4, NM_001190723.3, NM_001384142.1 and 2 more transcripts); c.-532G>T (NM_001384144.1); short protein forms V85F.
Identifiers: ClinVar variation 1792810 (VCV001792810.7), dbSNP rs765537196, ClinGen allele CA5246478.